The following is an entry in ClinVar:

NM_022552.5(DNMT3A):c.2489T>G (p.Val830Gly)

Gene: DNMT3A (DNA methyltransferase 3 alpha; minus strand). Cytogenetic location: 2p23.3.
Variant type: single nucleotide variant.
Coding change: c.2489T>G on transcript NM_022552.5 (MANE Select); coding-DNA position 2489, T replaced by G.
Protein change: p.Val830Gly; replaces valine 830 with glycine.
Molecular consequence: missense variant. On other transcripts: non-coding transcript variant (1).
Genome position (GRCh38, 1-based): chr2:25,235,815, A>C on the plus strand (T>G on the coding strand, the complement: DNMT3A is on the minus strand). VCF-style: chr2-25235815-A-C. GRCh37 (hg19) VCF-style: chr2-25458684-A-C.
Other names: c.1922T>G, p.Val641Gly (NM_153759.3); c.2489T>G, p.Val830Gly (NM_175629.2); c.2033T>G, p.Val678Gly (NM_001320893.1); c.1820T>G, p.Val607Gly (NM_001375819.1); short protein forms V607G, V641G, V830G, V678G.
Identifiers: ClinVar variation 4617772 (VCV004617772.1).

ClinVar aggregate classification (germline): Uncertain significance (1 of 4 stars; one submission).

Conditions:
Inborn genetic diseases. Identifiers: MedGen C0950123, MeSH D030342.

Submission:

Ambry Genetics
Classification: Uncertain significance for Inborn genetic diseases. Last evaluated: 2025-10-25. Review status: criteria provided, single submitter. Criteria: Ambry Variant Classification Scheme 2023. Collection method: clinical testing. Allele origin: germline.
Comment: The p.V830G variant (also known as c.2489T>G), located in coding exon 21 of the DNMT3A gene, results from a T to G substitution at nucleotide position 2489. The valine at codon 830 is replaced by glycine, an amino acid with dissimilar properties. This amino acid position is conserved. In addition, this alteration is predicted to be deleterious by in silico analysis. Based on the available evidence, the clinical significance of this variant remains unclear.